The following is an entry in ClinVar:

NM_001854.4(COL11A1):c.3638G>A (p.Gly1213Glu)

Gene: COL11A1 (collagen type XI alpha 1 chain; minus strand). Cytogenetic location: 1p21.1.
Variant type: single nucleotide variant.
Coding change: c.3638G>A on transcript NM_001854.4 (MANE Select); coding-DNA position 3638, G replaced by A.
Protein change: p.Gly1213Glu; replaces glycine 1213 with glutamic acid.
Molecular consequence: missense variant. On other transcripts: non-coding transcript variant (1).
Genome position (GRCh38, 1-based): chr1:102,923,352, C>T on the plus strand (G>A on the coding strand, the complement: COL11A1 is on the minus strand). VCF-style: chr1-102923352-C-T. GRCh37 (hg19) VCF-style: chr1-103388908-C-T.
Other names: c.3290G>A, p.Gly1097Glu (NM_001168249.1, NM_080630.4); c.3521G>A, p.Gly1174Glu (NM_001190709.2); c.3674G>A, p.Gly1225Glu (NM_080629.3); short protein forms G1174E, G1213E, G1225E, G1097E.
Identifiers: ClinVar variation 2696904 (VCV002696904.3), dbSNP rs2524570086, ClinGen allele CA341164528.

ClinVar aggregate classification (germline): Uncertain significance (1 of 4 stars; one submission).

Allele frequency attached by ClinVar (database versions not stated): gnomAD exomes below 0.00001.
gnomAD v4.1: 1 of 1,606,688 alleles (0.000062%); highest among the groups gnomAD compares: South Asian, 0.0011%; no homozygotes.

Submission:

Labcorp Genetics (formerly Invitae), Labcorp
Classification: Uncertain significance. Last evaluated: 2023-11-17. Review status: criteria provided, single submitter. Criteria: Invitae Variant Classification Sherloc (09022015). Collection method: clinical testing. Allele origin: germline.
Comment: This sequence change replaces glycine, which is neutral and non-polar, with glutamic acid, which is acidic and polar, at codon 1213 of the COL11A1 protein (p.Gly1213Glu). This variant is not present in population databases (gnomAD no frequency). This variant has not been reported in the literature in individuals affected with COL11A1-related conditions. Advanced modeling of protein sequence and biophysical properties (such as structural, functional, and spatial information, amino acid conservation, physicochemical variation, residue mobility, and thermodynamic stability) has been performed at Invitae for this missense variant, however the output from this modeling did not meet the statistical confidence thresholds required to predict the impact of this variant on COL11A1 protein function. In summary, the available evidence is currently insufficient to determine the role of this variant in disease. Therefore, it has been classified as a Variant of Uncertain Significance.